The following is an entry in ClinVar:

NM_000443.4(ABCB4):c.3486+1G>T

Gene: ABCB4 (ATP binding cassette subfamily B member 4; minus strand). Cytogenetic location: 7q21.12.
Variant type: single nucleotide variant.
Coding change: c.3486+1G>T on transcript NM_000443.4 (MANE Select); the canonical splice donor site of the intron after coding-DNA position 3486, G replaced by T.
Molecular consequence: splice donor variant.
Genome position (GRCh38, 1-based): chr7:87,406,287, C>A on the plus strand (G>T on the coding strand, the complement: ABCB4 is on the minus strand). VCF-style: chr7-87406287-C-A. GRCh37 (hg19) VCF-style: chr7-87035603-C-A.
Other names: c.3345+1G>T (NM_018850.3); c.3507+1G>T (NM_018849.3).
Identifiers: ClinVar variation 4736376 (VCV004736376.2).

ClinVar aggregate classification (germline): Pathogenic/Likely pathogenic. Review status: criteria provided, multiple submitters, no conflicts (2 of 4 stars). 2 submissions from 2 submitters: Pathogenic (1); Likely pathogenic (1). Last evaluated 2026-04-14.

Conditions:
Familial intrahepatic cholestasis. Identifiers: Orphanet 284385, MedGen CN296401, MONDO:0017290.

Submissions (2):

Genomenon, Inc
Classification: Pathogenic for Familial intrahepatic cholestasis. Last evaluated: 2026-04-14. Review status: criteria provided, single submitter. Criteria: Genomenon Sequence Variant Interpretation Standards - Updated. Collection method: curation. Allele origin: germline. Affected: yes.
Comment: ABCB4 c.3486+1G>T is a canonical splice variant affecting the donor splice site of intron 26. It is predicted to affect mRNA splicing, leading to a deleterious effect on the ABCB4 protein. This variant has been observed in at least one proband with an ABCB4-related disorder (PMID:27825922). It is absent or not present at a significant frequency in gnomAD. In conclusion, we classify ABCB4 c.3486+1G>T as a pathogenic variant.

Labcorp Genetics (formerly Invitae), Labcorp
Classification: Likely pathogenic. Last evaluated: 2026-01-28. Review status: criteria provided, single submitter. Criteria: Invitae Variant Classification Sherloc (09022015). Collection method: clinical testing. Allele origin: germline.
Comment: This sequence change affects a donor splice site in intron 26 of the ABCB4 gene. It is expected to disrupt RNA splicing. Variants that disrupt the donor or acceptor splice site typically lead to a loss of protein function (PMID: 16199547), and loss-of-function variants in ABCB4 are known to be pathogenic (PMID: 17726488, 25755532). This variant is not present in population databases (gnomAD no frequency). Disruption of this splice site has been observed in individual(s) with intrahepatic cholestasis of pregnancy and/or progressive familial intrahepatic cholestasis (PMID: 28039895, 32581362). Algorithms developed to predict the effect of sequence changes on RNA splicing suggest that this variant may disrupt the consensus splice site. In summary, the currently available evidence indicates that the variant is pathogenic, but additional data are needed to prove that conclusively. Therefore, this variant has been classified as Likely Pathogenic.

Literature cited by the submitters: PubMed 27825922 (cited by Genomenon, Inc); PubMed 16199547 (cited by Labcorp Genetics (formerly Invitae), Labcorp); PubMed 17726488 (cited by Labcorp Genetics (formerly Invitae), Labcorp); PubMed 25755532 (cited by Labcorp Genetics (formerly Invitae), Labcorp); PubMed 28039895 (cited by Labcorp Genetics (formerly Invitae), Labcorp); PubMed 32581362 (cited by Labcorp Genetics (formerly Invitae), Labcorp).